The following is an entry in ClinVar:

NM_000540.3(RYR1):c.8516C>G (p.Thr2839Arg)

Genes: RYR1 (ryanodine receptor 1; plus strand), LOC126862902 (BRD4-independent group 4 enhancer GRCh37_chr19:38995830-38997029; plus strand). Cytogenetic location: 19q13.2.
Variant type: single nucleotide variant.
Coding change: c.8516C>G on transcript NM_000540.3 (MANE Select); coding-DNA position 8516, C replaced by G.
Protein change: p.Thr2839Arg; replaces threonine 2839 with arginine.
Molecular consequence: missense variant.
Genome position (GRCh38, 1-based): chr19:38,505,921, C>G. VCF-style: chr19-38505921-C-G. GRCh37 (hg19) VCF-style: chr19-38996561-C-G.
Other names: c.8516C>G, p.Thr2839Arg (NM_001042723.2); short protein forms T2839R.
Identifiers: ClinVar variation 862729 (VCV000862729.8), dbSNP rs781458272, ClinGen allele CA405678968.

ClinVar aggregate classification (germline): Uncertain significance. Review status: criteria provided, multiple submitters, no conflicts (2 of 4 stars). 2 submissions from 2 submitters: Uncertain significance (2). Last evaluated 2025-06-23.

Conditions:
RYR1-related disorder. Also called: RYR1-related disorders; RYR1-related condition. Identifiers: MedGen CN239331.
Malignant hyperthermia, susceptibility to, 1 (MHS1). Also called: Anesthesia related hyperthermia; Malignant hyperpyrexia; Fulminating hyperpyrexia; Pharmacogenic myopathy; Malignant hyperthermia suceptibility 1; RYR1-Related Malignant Hyperthermia Susceptibility. Identifiers: Orphanet 423, MedGen C2930980, MONDO:0007783, OMIM 145600.

gnomAD v4.1: 13 of 1,613,408 alleles (0.00081%); highest among the groups gnomAD compares: South Asian, 0.0011%; no homozygotes.

Submissions (2):

Color Diagnostics, LLC DBA Color Health
Classification: Uncertain significance for Malignant hyperthermia, susceptibility to, 1. Last evaluated: 2025-06-23. Review status: criteria provided, single submitter. Criteria: ACMG Guidelines, 2015. Collection method: clinical testing. Allele origin: germline.
Comment: This missense variant replaces threonine with arginine at codon 2839 of the RYR1 protein. Computational prediction suggests that this variant may not impact protein structure and function. To our knowledge, functional studies have not been reported for this variant. This variant has not been reported in individuals affected with RYR1-related disorders in the literature. This variant has been identified in 3/250204 chromosomes in the general population by the Genome Aggregation Database (gnomAD). The available evidence is insufficient to determine the role of this variant in disease conclusively. Therefore, this variant is classified as a Variant of Uncertain Significance.

Labcorp Genetics (formerly Invitae), Labcorp
Classification: Uncertain significance for RYR1-related disorder. Last evaluated: 2022-03-09. Review status: criteria provided, single submitter. Criteria: Invitae Variant Classification Sherloc (09022015). Collection method: clinical testing. Allele origin: germline.
Comment: This sequence change replaces threonine, which is neutral and polar, with arginine, which is basic and polar, at codon 2839 of the RYR1 protein (p.Thr2839Arg). This variant is present in population databases (no rsID available, gnomAD 0.002%). This variant has not been reported in the literature in individuals affected with RYR1-related conditions. ClinVar contains an entry for this variant (Variation ID: 862729). Advanced modeling of protein sequence and biophysical properties (such as structural, functional, and spatial information, amino acid conservation, physicochemical variation, residue mobility, and thermodynamic stability) performed at Invitae indicates that this missense variant is not expected to disrupt RYR1 protein function. In summary, the available evidence is currently insufficient to determine the role of this variant in disease. Therefore, it has been classified as a Variant of Uncertain Significance.